The following is an entry in ClinVar:

ClinVar aggregate classification (germline): Likely benign. Review status: criteria provided, multiple submitters, no conflicts (2 of 4 stars). 2 submissions from 2 submitters: Likely benign (2). Last evaluated 2023-11-20.

Conditions:
Arrhythmogenic right ventricular dysplasia 11. Also called: Arrhythmogenic Right Ventricular Dysplasia/Cardiomyopathy11; ARRHYTHMOGENIC RIGHT VENTRICULAR DYSPLASIA, FAMILIAL, 11; Arrhythmogenic right ventricular dysplasia 11 with mild palmoplantar keratoderma and woolly hair. Identifiers: MedGen C1864850, MONDO:0012506, OMIM 610476.
Familial isolated arrhythmogenic right ventricular dysplasia. Identifiers: Orphanet 217656, MedGen C4274968, MONDO:0016342.

Allele frequency attached by ClinVar (database versions not stated): TOPMed below 0.00001; gnomAD exomes below 0.00001.
gnomAD v4.1: 1 of 1,614,044 alleles (0.000062%); highest among the groups gnomAD compares: Middle Eastern, 0.016%; no homozygotes.

Submissions (2):

All of Us Research Program, National Institutes of Health
Classification: Likely benign for Familial isolated arrhythmogenic right ventricular dysplasia. Last evaluated: 2023-11-20. Review status: criteria provided, single submitter. Criteria: ACMG Guidelines, 2015. Collection method: clinical testing. Allele origin: germline. Inheritance: Autosomal dominant inheritance. Observed: 1 variant allele, 1 heterozygote.
Comment: This study involves interpretation of variants in research participants for the purpose of population health screening. Participant phenotype was not available at the time of variant classification. Additional details can be found in publication PMID: 35346344, PMCID: PMC8962531

Labcorp Genetics (formerly Invitae), Labcorp
Classification: Likely benign for Arrhythmogenic right ventricular dysplasia 11. Last evaluated: 2020-03-06. Review status: criteria provided, single submitter. Criteria: Invitae Variant Classification Sherloc (09022015). Collection method: clinical testing. Allele origin: germline.

NM_024422.6(DSC2):c.1374T>A (p.Val458=)

Gene: DSC2 (desmocollin 2; minus strand). Cytogenetic location: 18q12.1.
Variant type: single nucleotide variant.
Coding change: c.1374T>A on transcript NM_024422.6 (MANE Select); coding-DNA position 1374, T replaced by A.
Protein change: p.Val458=; no amino-acid change (valine 458 retained).
Molecular consequence: synonymous variant.
Genome position (GRCh38, 1-based): chr18:31,080,242, A>T on the plus strand (T>A on the coding strand, the complement: DSC2 is on the minus strand). VCF-style: chr18-31080242-A-T. GRCh37 (hg19) VCF-style: chr18-28660208-A-T.
Other names: c.1374T>A, p.Val458= (NM_004949.5).
Identifiers: ClinVar variation 794679 (VCV000794679.10), dbSNP rs1295460147, ClinGen allele CA503527579.